The following is an entry in ClinVar:

NM_007192.4(SUPT16H):c.89A>G (p.Asn30Ser)

Gene: SUPT16H (SPT16 homolog, facilitates chromatin remodeling subunit; minus strand). Cytogenetic location: 14q11.2.
Variant type: single nucleotide variant.
Coding change: c.89A>G on transcript NM_007192.4 (MANE Select); coding-DNA position 89, A replaced by G.
Protein change: p.Asn30Ser; replaces asparagine 30 with serine.
Molecular consequence: missense variant.
Genome position (GRCh38, 1-based): chr14:21,373,408, T>C on the plus strand (A>G on the coding strand, the complement: SUPT16H is on the minus strand). VCF-style: chr14-21373408-T-C. GRCh37 (hg19) VCF-style: chr14-21841567-T-C.
Other names: short protein forms N30S.
Identifiers: ClinVar variation 4883022 (VCV004883022.2).

ClinVar aggregate classification (germline): Uncertain significance (1 of 4 stars; one submission).

Conditions:
Neurodevelopmental disorder with dysmorphic facies and thin corpus callosum. Identifiers: MedGen C5551361, MONDO:0859179, OMIM 619480.

Submission:

Dasa
Classification: Uncertain significance for Neurodevelopmental disorder with dysmorphic facies and thin corpus callosum. Last evaluated: 2025-06-20. Review status: criteria provided, single submitter. Criteria: DASA Assertion Criteria. Collection method: clinical testing. Allele origin: germline.
Comment: NM_007192.4(SUPT16H):c.89A>G (p.Asn30Ser) is a missense variant that results in the substitution of asparagine with serine. This variant is absent from population databases. Computational prediction algorithms are consistent with a benign effect. The currently available literature and clinical evidence are not sufficient to establish a definitive association between this variant and the reported condition. Therefore, this variant is classified as a variant of uncertain significance.